The following is an entry in ClinVar:

ClinVar aggregate classification (germline): Pathogenic. Review status: criteria provided, multiple submitters, no conflicts (2 of 4 stars). 2 submissions from 2 submitters: Pathogenic (2). Last evaluated 2022-12-22.

Conditions:
Acute myeloid leukemia (AML). Also called: Acute myeloid leukemia, adult; AML adult; Acute non-lymphocytic leukemia; Acute granulocytic leukemia; Leukemia, acute myelogenous, somatic; Leukemia, acute myeloid, somatic. Identifiers: Orphanet 519, MedGen C0023467, MeSH D015470, MONDO:0018874, OMIM 601626, HP:0004808. Disease mechanism: Constitutively activated FLT3.
Tatton-Brown-Rahman overgrowth syndrome. Also called: Tall stature-intellectual disability-facial dysmorphism syndrome; Tatton-Brown-Rahman syndrome. Identifiers: Orphanet 404443, MedGen C4014545, MONDO:0014382, OMIM 615879.
Heyn-Sproul-Jackson syndrome. Also called: MICROCEPHALY, SHORT STATURE, AND IMPAIRED INTELLECTUAL DEVELOPMENT. Identifiers: Orphanet 658595, MedGen C5231475, MONDO:0032882, OMIM 618724.
DNMT3A-related disorder. Also called: DNMT3A-related disorders; DNMT3A-related condition.

Allele frequency attached by ClinVar (database versions not stated): gnomAD exomes below 0.00001; ExAC 0.00001.
gnomAD v4.1: 5 of 1,613,906 alleles (0.00031%); highest among the groups gnomAD compares: Non-Finnish European, 0.00034%; no homozygotes.

Submissions (2):

PreventionGenetics, part of Exact Sciences
Classification: Pathogenic for DNMT3A-related condition. Last evaluated: 2022-12-22. Review status: criteria provided, single submitter. Criteria: ACMG Guidelines, 2015. Collection method: clinical testing. Allele origin: germline.
Comment: The DNMT3A c.1803G>A variant is predicted to result in premature protein termination (p.Trp601*). This variant has been reported as a de novo variant in an individual with Tatton-Brown-Rahman syndrome (Table S1, Tatton-Brown et al 2017. PubMed ID: 28475857). This variant has not been reported in a large population database, indicating this variant is rare. Nonsense variants in DNMT3A are expected to be pathogenic. This variant is interpreted as pathogenic.

Juno Genomics, Hangzhou Juno Genomics, Inc
Classification: Pathogenic for Tatton-Brown-Rahman overgrowth syndrome; Acute myeloid leukemia; Heyn-Sproul-Jackson syndrome. Review status: criteria provided, single submitter. Criteria: ACMG Guidelines, 2015. Collection method: clinical testing. Allele origin: germline. Affected: yes.
Comment: Absent from controls (or at extremely low frequency if recessive) in Genome Aggregation Database, Exome Sequencing Project, 1000 Genomes Project, or Exome Aggregation Consortium.;Null variant in a gene where loss of function (LOF) is a known mechanism of disease.;The prevalence of the variant in affected individuals is significantly increased compared to the prevalence in controls.;Assumed de novo, but without confirmation of paternity and maternity.

NM_022552.5(DNMT3A):c.1803G>A (p.Trp601Ter)

Gene: DNMT3A (DNA methyltransferase 3 alpha; minus strand). Cytogenetic location: 2p23.3.
Variant type: single nucleotide variant.
Coding change: c.1803G>A on transcript NM_022552.5 (MANE Select); coding-DNA position 1803, G replaced by A.
Protein change: p.Trp601Ter; replaces tryptophan 601 with a stop codon.
Molecular consequence: nonsense. On other transcripts: non-coding transcript variant (1).
Genome position (GRCh38, 1-based): chr2:25,244,203, C>T on the plus strand (G>A on the coding strand, the complement: DNMT3A is on the minus strand). VCF-style: chr2-25244203-C-T. GRCh37 (hg19) VCF-style: chr2-25467072-C-T.
Other names: c.1236G>A, p.Trp412Ter (NM_153759.3); c.1803G>A, p.Trp601Ter (NM_175629.2); c.1347G>A, p.Trp449Ter (NM_001320893.1); c.1134G>A, p.Trp378Ter (NM_001375819.1); short protein forms W378*, W412*, W449*, W601*.
Identifiers: ClinVar variation 2635178 (VCV002635178.2), dbSNP rs767692203, ClinGen allele CA1555869.